The following is an entry in ClinVar:

ClinVar aggregate classification (germline): Uncertain significance (1 of 4 stars; one submission).

Submission:

Labcorp Genetics (formerly Invitae), Labcorp
Classification: Uncertain significance. Last evaluated: 2022-04-30. Review status: criteria provided, single submitter. Criteria: Invitae Variant Classification Sherloc (09022015). Collection method: clinical testing. Allele origin: germline.
Comment: This sequence change replaces proline, which is neutral and non-polar, with leucine, which is neutral and non-polar, at codon 1455 of the COL7A1 protein (p.Pro1455Leu). This variant is not present in population databases (gnomAD no frequency). This variant has not been reported in the literature in individuals affected with COL7A1-related conditions. Algorithms developed to predict the effect of missense changes on protein structure and function are either unavailable or do not agree on the potential impact of this missense change (SIFT: "Deleterious"; PolyPhen-2: "Not Available"; Align-GVGD: "Class C65"). In summary, the available evidence is currently insufficient to determine the role of this variant in disease. Therefore, it has been classified as a Variant of Uncertain Significance.

NM_000094.4(COL7A1):c.4364C>T (p.Pro1455Leu)

Gene: COL7A1 (collagen type VII alpha 1 chain; minus strand). Cytogenetic location: 3p21.31.
Variant type: single nucleotide variant.
Coding change: c.4364C>T on transcript NM_000094.4 (MANE Select); coding-DNA position 4364, C replaced by T.
Protein change: p.Pro1455Leu; replaces proline 1455 with leucine.
Molecular consequence: missense variant.
Genome position (GRCh38, 1-based): chr3:48,583,593, G>A on the plus strand (C>T on the coding strand, the complement: COL7A1 is on the minus strand). VCF-style: chr3-48583593-G-A. GRCh37 (hg19) VCF-style: chr3-48621026-G-A.
Other names: short protein forms P1455L.
Identifiers: ClinVar variation 2160892 (VCV002160892.1), dbSNP rs2531148144, ClinGen allele CA352692785.